The following is an entry in ClinVar:

NM_001739.2(CA5A):c.94C>T (p.Arg32Ter)

Gene: CA5A (carbonic anhydrase 5A; minus strand). Cytogenetic location: 16q24.2.
Variant type: single nucleotide variant.
Coding change: c.94C>T on transcript NM_001739.2 (MANE Select); coding-DNA position 94, C replaced by T.
Protein change: p.Arg32Ter; replaces arginine 32 with a stop codon.
Molecular consequence: nonsense. On other transcripts: non-coding transcript variant (2).
Genome position (GRCh38, 1-based): chr16:87,936,357, G>A on the plus strand (C>T on the coding strand, the complement: CA5A is on the minus strand). VCF-style: chr16-87936357-G-A. GRCh37 (hg19) VCF-style: chr16-87969963-G-A.
Other names: c.94C>T, p.Arg32Ter (NM_001367225.1); short protein forms R32*.
Identifiers: ClinVar variation 570252 (VCV000570252.7), dbSNP rs767402215, ClinGen allele CA8223640.

ClinVar aggregate classification (germline): Pathogenic. Review status: criteria provided, multiple submitters, no conflicts (2 of 4 stars). 2 submissions from 2 submitters: Pathogenic (2). Last evaluated 2025-10-26.

Conditions:
Hyperammonemic encephalopathy due to carbonic anhydrase VA deficiency. Also called: Carbonic Anhydrase VA Deficiency; Carbonic anhydrase VA deficiency, hyperammonemia due to. Identifiers: Orphanet 401948, MedGen C4706871, MONDO:0014332, OMIM 615751.

Allele frequency attached by ClinVar (database versions not stated): gnomAD exomes below 0.00001 and 0.00002; ExAC 0.00001; gnomAD 0.00001; TOPMed 0.00001.
gnomAD v4.1: 28 of 1,613,796 alleles (0.0017%); highest among the groups gnomAD compares: African/African-American, 0.0027%; no homozygotes.

Submissions (2):

Labcorp Genetics (formerly Invitae), Labcorp
Classification: Pathogenic for Hyperammonemic encephalopathy due to carbonic anhydrase VA deficiency. Last evaluated: 2025-10-26. Review status: criteria provided, single submitter. Criteria: Invitae Variant Classification Sherloc (09022015). Collection method: clinical testing. Allele origin: germline.
Comment: This sequence change creates a premature translational stop signal (p.Arg32*) in the CA5A gene. It is expected to result in an absent or disrupted protein product. Loss-of-function variants in CA5A are known to be pathogenic (PMID: 24530203, 26913920). This variant is present in population databases (rs767402215, gnomAD 0.0009%). This variant has not been reported in the literature in individuals affected with CA5A-related conditions. ClinVar contains an entry for this variant (Variation ID: 570252). For these reasons, this variant has been classified as Pathogenic.

Genomic Medicine Center of Excellence, King Faisal Specialist Hospital and Research Centre
Classification: Pathogenic for Hyperammonemic encephalopathy due to carbonic anhydrase VA deficiency. Last evaluated: 2024-12-18. Review status: criteria provided, single submitter. Criteria: ACMG Guidelines, 2015. Collection method: clinical testing. Allele origin: germline.

Literature cited by the submitters: PubMed 24530203 (cited by Labcorp Genetics (formerly Invitae), Labcorp); PubMed 26913920 (cited by Labcorp Genetics (formerly Invitae), Labcorp).